The following is an entry in ClinVar:

NM_152641.4(ARID2):c.2873A>C (p.Gln958Pro)

Gene: ARID2 (AT-rich interaction domain 2; plus strand). Cytogenetic location: 12q12.
Variant type: single nucleotide variant.
Coding change: c.2873A>C on transcript NM_152641.4 (MANE Select); coding-DNA position 2873, A replaced by C.
Protein change: p.Gln958Pro; replaces glutamine 958 with proline.
Molecular consequence: missense variant.
Genome position (GRCh38, 1-based): chr12:45,850,996, A>C. VCF-style: chr12-45850996-A-C. GRCh37 (hg19) VCF-style: chr12-46244779-A-C.
Other names: c.2873A>C, p.Gln958Pro (NM_001347839.2); short protein forms Q958P.
Identifiers: ClinVar variation 4082794 (VCV004082794.1).

ClinVar aggregate classification (germline): Uncertain significance (1 of 4 stars; one submission).

Submission:

GeneDx
Classification: Uncertain significance. Last evaluated: 2025-03-02. Review status: criteria provided, single submitter. Criteria: GeneDx Variant Classification Process June 2021. Collection method: clinical testing. Allele origin: germline. Affected: yes.
Comment: In silico analysis indicates that this missense variant does not alter protein structure/function; Has not been previously published as pathogenic or benign to our knowledge; Not observed at significant frequency in large population cohorts (gnomAD)